The following is an entry in ClinVar:

ClinVar aggregate classification (germline): Uncertain significance (1 of 4 stars; one submission).

Conditions:
Legius syndrome. Identifiers: Orphanet 137605, MedGen C1969623, MONDO:0012669, OMIM 611431. Disease mechanism: loss of function.

gnomAD v4.1: 2 of 1,614,154 alleles (0.00012%); highest among the groups gnomAD compares: African/African-American, 0.0013%; no homozygotes.

Submission:

Labcorp Genetics (formerly Invitae), Labcorp
Classification: Uncertain significance for Legius syndrome. Last evaluated: 2025-10-01. Review status: criteria provided, single submitter. Criteria: Invitae Variant Classification Sherloc (09022015). Collection method: clinical testing. Allele origin: germline.
Comment: This sequence change replaces threonine, which is neutral and polar, with isoleucine, which is neutral and non-polar, at codon 395 of the SPRED1 protein (p.Thr395Ile). This variant is not present in population databases (gnomAD no frequency). This variant has not been reported in the literature in individuals affected with SPRED1-related conditions. ClinVar contains an entry for this variant (Variation ID: 3667181). Invitae Evidence Modeling of protein sequence and biophysical properties (such as structural, functional, and spatial information, amino acid conservation, physicochemical variation, residue mobility, and thermodynamic stability) indicates that this missense variant is not expected to disrupt SPRED1 protein function with a negative predictive value of 80%. In summary, the available evidence is currently insufficient to determine the role of this variant in disease. Therefore, it has been classified as a Variant of Uncertain Significance.

NM_152594.3(SPRED1):c.1184C>T (p.Thr395Ile)

Gene: SPRED1 (sprouty related EVH1 domain containing 1; plus strand). Cytogenetic location: 15q14.
Variant type: single nucleotide variant.
Coding change: c.1184C>T on transcript NM_152594.3 (MANE Select); coding-DNA position 1184, C replaced by T.
Protein change: p.Thr395Ile; replaces threonine 395 with isoleucine.
Molecular consequence: missense variant.
Genome position (GRCh38, 1-based): chr15:38,351,513, C>T. VCF-style: chr15-38351513-C-T. GRCh37 (hg19) VCF-style: chr15-38643714-C-T.
Other names: short protein forms T395I.
Identifiers: ClinVar variation 3667181 (VCV003667181.2).